The following is an entry in ClinVar:

NM_002497.4(NEK2):c.1015A>T (p.Arg339Ter)

Gene: NEK2 (NIMA related kinase 2; minus strand). Cytogenetic location: 1q32.3.
Variant type: single nucleotide variant.
Coding change: c.1015A>T on transcript NM_002497.4 (MANE Select); coding-DNA position 1015, A replaced by T.
Protein change: p.Arg339Ter; replaces arginine 339 with a stop codon.
Molecular consequence: nonsense.
Genome position (GRCh38, 1-based): chr1:211,667,202, T>A on the plus strand (A>T on the coding strand, the complement: NEK2 is on the minus strand). VCF-style: chr1-211667202-T-A. GRCh37 (hg19) VCF-style: chr1-211840544-T-A.
Other names: c.1015A>T, p.Arg339Ter (NM_001204182.2, NM_001204183.2); short protein forms R339*.
Identifiers: ClinVar variation 1375036 (VCV001375036.6), dbSNP rs2102441646, ClinGen allele CA344776355.

ClinVar aggregate classification (germline): Uncertain significance (1 of 4 stars; one submission).

Submission:

Labcorp Genetics (formerly Invitae), Labcorp
Classification: Uncertain significance. Last evaluated: 2022-06-13. Review status: criteria provided, single submitter. Criteria: Invitae Variant Classification Sherloc (09022015). Collection method: clinical testing. Allele origin: germline.
Comment: This variant is not present in population databases (gnomAD no frequency). This sequence change creates a premature translational stop signal (p.Arg339*) in the NEK2 gene. It is expected to result in an absent or disrupted protein product. However, the current clinical and genetic evidence is not sufficient to establish whether loss-of-function variants in NEK2 cause disease. In summary, the available evidence is currently insufficient to determine the role of this variant in disease. Therefore, it has been classified as a Variant of Uncertain Significance. This variant has not been reported in the literature in individuals affected with NEK2-related conditions.